The following is an entry in ClinVar:

NM_001761.3(CCNF):c.418C>T (p.Arg140Trp)

Gene: CCNF (cyclin F; plus strand). Cytogenetic location: 16p13.3.
Variant type: single nucleotide variant.
Coding change: c.418C>T on transcript NM_001761.3 (MANE Select); coding-DNA position 418, C replaced by T.
Protein change: p.Arg140Trp; replaces arginine 140 with tryptophan.
Molecular consequence: missense variant. On other transcripts: 5 prime UTR variant (1).
Genome position (GRCh38, 1-based): chr16:2,437,200, C>T. VCF-style: chr16-2437200-C-T. GRCh37 (hg19) VCF-style: chr16-2487201-C-T.
Other names: c.-507C>T (NM_001323538.2); short protein forms R140W.
Identifiers: ClinVar variation 3767616 (VCV003767616.1).
Genomic context (GRCh38, chr16:2,437,200, plus strand): 5'-GATGAGGCCCGCGCAGAAGTGAATGGCCTGAAGGCCTCTCGCTTCTTCAGTCTCGCTGAG[C>T]GGCTGAATGTGGGTGCCGCACCTTTCATCTGGCTCTTCATCCGCCCTCCGTGGTCGGTGA-3'
Protein context (NP_001752.2, residues 130-150): KASRFFSLAE[Arg140Trp]LNVGAAPFIW

ClinVar aggregate classification (germline): Uncertain significance (1 of 4 stars; one submission).

gnomAD v4.1: 143 of 1,612,624 alleles (0.0089%); highest among the groups gnomAD compares: African/African-American, 0.15%; no homozygotes.

Submission:

GeneDx
Classification: Uncertain significance. Last evaluated: 2024-09-10. Review status: criteria provided, single submitter. Criteria: GeneDx Variant Classification Process June 2021. Collection method: clinical testing. Allele origin: germline. Affected: yes.
Comment: In silico analysis supports that this missense variant has a deleterious effect on protein structure/function; Has not been previously published as pathogenic or benign to our knowledge